The following is an entry in ClinVar:

ClinVar aggregate classification (germline): Uncertain significance (1 of 4 stars; one submission).

gnomAD v4.1: 3 of 1,613,934 alleles (0.00019%); highest among the groups gnomAD compares: African/African-American, 0.0027%; no homozygotes.

Submission:

GeneDx
Classification: Uncertain significance. Last evaluated: 2025-04-24. Review status: criteria provided, single submitter. Criteria: GeneDx Variant Classification Process June 2021. Collection method: clinical testing. Allele origin: germline. Affected: yes.
Comment: Not observed at significant frequency in large population cohorts (gnomAD); In silico analysis supports that this missense variant has a deleterious effect on protein structure/function; In silico analysis suggests this variant may impact gene splicing. In the absence of RNA/functional studies, the actual effect of this sequence change is unknown.; Has not been previously published as pathogenic or benign to our knowledge

NM_004370.6(COL12A1):c.5563C>T (p.Pro1855Ser)

Gene: COL12A1 (collagen type XII alpha 1 chain; minus strand). Cytogenetic location: 6q13.
Variant type: single nucleotide variant.
Coding change: c.5563C>T on transcript NM_004370.6 (MANE Select); coding-DNA position 5563, C replaced by T.
Protein change: p.Pro1855Ser; replaces proline 1855 with serine.
Molecular consequence: missense variant.
Genome position (GRCh38, 1-based): chr6:75,133,959, G>A on the plus strand (C>T on the coding strand, the complement: COL12A1 is on the minus strand). VCF-style: chr6-75133959-G-A. GRCh37 (hg19) VCF-style: chr6-75843675-G-A.
Other names: c.5563C>T, p.Pro1855Ser (NM_001424113.1); c.5542C>T, p.Pro1848Ser (NM_001424114.1); c.5290C>T, p.Pro1764Ser (NM_001424115.1); c.2071C>T, p.Pro691Ser (NM_001424116.1, NM_080645.3); short protein forms P1764S, P1848S, P1855S, P691S.
Identifiers: ClinVar variation 4527449 (VCV004527449.1).
Genomic context (GRCh38, chr6:75,133,959, plus strand): 5'-TGTACTGACGAGGATTTCCCTCTGCATGGTCCCAGCGGACATTCAAGGTGCTGGTAGAAG[G>A]GTCATACACTCTCAGGTTCCTTACAGTGTTTAGAGGTTCTGAAATGCACAGAAATCCCAT-3'
Protein context (NP_004361.3, residues 1845-1865): NTVRNLRVYD[Pro1855Ser]STSTLNVRWD